The following is an entry in ClinVar:

NM_145200.5(CABP4):c.137G>C (p.Arg46Thr)

Gene: CABP4 (calcium binding protein 4; plus strand). Cytogenetic location: 11q13.2.
Variant type: single nucleotide variant.
Coding change: c.137G>C on transcript NM_145200.5 (MANE Select); coding-DNA position 137, G replaced by C.
Protein change: p.Arg46Thr; replaces arginine 46 with threonine.
Molecular consequence: missense variant. On other transcripts: 5 prime UTR variant (2), non-coding transcript variant (1), intron variant (1).
Genome position (GRCh38, 1-based): chr11:67,455,560, G>C. VCF-style: chr11-67455560-G-C. GRCh37 (hg19) VCF-style: chr11-67223031-G-C.
Other names: c.-247G>C (NM_001300895.3); c.-261G>C (NM_001379183.1); c.-112-149G>C (NM_001300896.3); short protein forms R46T.
Identifiers: ClinVar variation 1063898 (VCV001063898.8), dbSNP rs1382361265, ClinGen allele CA381527006.

ClinVar aggregate classification (germline): Uncertain significance (1 of 4 stars; one submission).

gnomAD v4.1: 1 of 1,602,608 alleles (0.000062%); highest among the groups gnomAD compares: Non-Finnish European, 0.000085%; no homozygotes.

Submission:

Labcorp Genetics (formerly Invitae), Labcorp
Classification: Uncertain significance. Last evaluated: 2024-04-17. Review status: criteria provided, single submitter. Criteria: Invitae Variant Classification Sherloc (09022015). Collection method: clinical testing. Allele origin: germline.
Comment: This sequence change replaces arginine, which is basic and polar, with threonine, which is neutral and polar, at codon 46 of the CABP4 protein (p.Arg46Thr). This variant is not present in population databases (gnomAD no frequency). This variant has not been reported in the literature in individuals affected with CABP4-related conditions. ClinVar contains an entry for this variant (Variation ID: 1063898). Algorithms developed to predict the effect of missense changes on protein structure and function output the following: SIFT: "Not Available"; PolyPhen-2: "Benign"; Align-GVGD: "Not Available". The threonine amino acid residue is found in multiple mammalian species, which suggests that this missense change does not adversely affect protein function. In summary, the available evidence is currently insufficient to determine the role of this variant in disease. Therefore, it has been classified as a Variant of Uncertain Significance.